The following is an entry in ClinVar:

NM_001042492.3(NF1):c.4819dup (p.Tyr1607fs)

Gene: NF1 (neurofibromin 1; plus strand). Cytogenetic location: 17q11.2.
Variant type: Duplication.
Coding change: c.4819dup on transcript NM_001042492.3 (MANE Select); coding-DNA position 4819, one base duplicated (T; older notation c.4819dupT).
Protein change: p.Tyr1607fs; shifts the reading frame from tyrosine 1607.
Molecular consequence: frameshift variant.
Genome position (GRCh38, 1-based): chr17:31,265,323, T duplicated; the last of 6 consecutive T bases (chr17:31,265,318-31,265,323); duplicating any one gives the same sequence. VCF-style (leftmost placement, unchanged base first): chr17-31265317-A-AT. GRCh37 (hg19) VCF-style: chr17-29592335-A-AT.
Other names: c.4756dup, p.Tyr1586Leufs (NM_000267.4); c.4819dupT (NM_001042492.2); short protein forms Y1607fs, Y1586fs.
Identifiers: ClinVar variation 230301 (VCV000230301.14), dbSNP rs876658492, ClinGen allele CA10580326.

ClinVar aggregate classification (germline): Pathogenic. Review status: criteria provided, multiple submitters, no conflicts (2 of 4 stars). 6 submissions from 6 submitters: Pathogenic (6). Last evaluated 2025-12-03.

Conditions:
Hereditary cancer-predisposing syndrome. Also called: Tumor predisposition; Hereditary neoplastic syndrome; Hereditary Cancer Syndrome; Neoplastic Syndromes, Hereditary. Identifiers: Orphanet 140162, MedGen C0027672, MeSH D009386, MONDO:0015356.
Neurofibromatosis, type 1 (NF1). Also called: VON RECKLINGHAUSEN DISEASE; Peripheral type neurofibromatosis; NEUROFIBROMATOSIS, TYPE I, SOMATIC; Neurofibromatosis, type I. Identifiers: Orphanet 636, MedGen C0027831, MONDO:0018975, OMIM 162200. Disease mechanism: loss of function.

Submissions (6):

Myriad Genetics, Inc.
Classification: Pathogenic for Neurofibromatosis, type 1. Last evaluated: 2025-12-03. Review status: criteria provided, single submitter. Criteria: Myriad Autosomal Dominant, Autosomal Recessive and X-Linked Classification Criteria (2023). Collection method: clinical testing. Allele origin: unknown.
Comment: This variant is considered pathogenic. This variant creates a frameshift predicted to result in premature protein truncation.

Dasa
Classification: Pathogenic. Last evaluated: 2025-10-05. Review status: criteria provided, single submitter. Criteria: DASA Assertion Criteria. Collection method: clinical testing. Allele origin: germline.
Comment: NM_001042492.3(NF1):c.4819dup (p.Tyr1607Leufs*15) is a frameshift variant in NF1 predicted to alter the reading frame and introduce a premature termination codon and is predicted to result in an absent or altered protein product. Loss of function is an established disease mechanism for NF1 (PMID: 1757093; PMID: 1302608; PMID: 34427956). Also, this variant is absent from population databases. Based on the currently available evidence, this variant is classified as pathogenic.

Labcorp Genetics (formerly Invitae), Labcorp
Classification: Pathogenic for Neurofibromatosis, type 1. Last evaluated: 2025-03-02. Review status: criteria provided, single submitter. Criteria: Invitae Variant Classification Sherloc (09022015). Collection method: clinical testing. Allele origin: germline.
Comment: This sequence change creates a premature translational stop signal (p.Tyr1586Leufs*15) in the NF1 gene. It is expected to result in an absent or disrupted protein product. Loss-of-function variants in NF1 are known to be pathogenic (PMID: 10712197, 23913538). This variant is not present in population databases (gnomAD no frequency). This variant has not been reported in the literature in individuals affected with NF1-related conditions. ClinVar contains an entry for this variant (Variation ID: 230301). For these reasons, this variant has been classified as Pathogenic.

3billion
Classification: Pathogenic for Neurofibromatosis, type 1. Last evaluated: 2022-09-01. Review status: criteria provided, single submitter. Criteria: ACMG Guidelines, 2015. Collection method: clinical testing. Allele origin: germline. Affected: yes. Observed: 1 heterozygote.
Comment: The variant is not observed in the gnomAD v2.1.1 dataset. Frameshift variant is predicted to result in a loss or disruption of normal protein function through nonsense-mediated decay (NMD) or protein truncation. Multiple pathogenic variants are reported downstream of the variant. The variant has been reported at least twice as pathogenic without evidence for the classification (ClinVar ID: VCV000230301). Therefore, this variant is classified as Pathogenic according to the recommendation of ACMG/AMP guideline.

Genome-Nilou Lab
Classification: Pathogenic for Neurofibromatosis, type 1. Last evaluated: 2022-03-15. Review status: criteria provided, single submitter. Criteria: ACMG Guidelines, 2015. Collection method: clinical testing. Allele origin: germline. Affected: no.

Ambry Genetics
Classification: Pathogenic for Hereditary cancer-predisposing syndrome. Last evaluated: 2015-02-03. Review status: criteria provided, single submitter. Criteria: Ambry Autosomal Dominant and X-Linked criteria (10/2015). Collection method: clinical testing. Allele origin: germline. Observed: 1 variant allele.
Comment: The c.4819dupT pathogenic mutation (also known as c.4756dupT), located in coding exon 36 of the NF1 gene, results from a duplication of a T at nucleotide position 4819, causing a translational frameshift with a predicted alternate stop codon. Since frameshifts are typically deleterious in nature, this alteration is interpreted as a disease-causing mutation (ACMG Recommendations for Standards for Interpretation and Reporting of Sequence Variations. Revision 2007. Genet Med. 2008;10:294).

Literature cited by the submitters: PubMed 1757093 (cited by Dasa); PubMed 1302608 (cited by Dasa); PubMed 34427956 (cited by Dasa); PubMed 10712197 (cited by Labcorp Genetics (formerly Invitae), Labcorp); PubMed 23913538 (cited by Labcorp Genetics (formerly Invitae), Labcorp).